The following is an entry in ClinVar:

NM_014588.6(VSX1):c.809-5dup

Gene: VSX1 (visual system homeobox 1; minus strand). Cytogenetic location: 20p11.21.
Variant type: Duplication.
Coding change: c.809-5dup on transcript NM_014588.6 (MANE Select); 5 bases into the intron before coding-DNA position 809, one base duplicated (A; older notation c.809-5dupA).
Molecular consequence: intron variant.
Genome position (GRCh38, 1-based): chr20:25,076,555, T duplicated on the plus strand (A on the coding strand, the reverse complement: VSX1 is on the minus strand). VCF-style (leftmost placement, unchanged base first): chr20-25076554-G-GT. GRCh37 (hg19) VCF-style: chr20-25057190-G-GT.
Other names: c.627+2274dup (NM_001256271.2); c.808+1130dup (NM_001256272.2); c.116-5dup (NM_001378633.1).
Identifiers: ClinVar variation 3352870 (VCV003352870.1).

ClinVar aggregate classification (germline): Likely benign (0 of 4 stars; one submission).

Conditions:
VSX1-related disorder. Also called: VSX1-related condition.

Submission:

PreventionGenetics, part of Exact Sciences
Classification: Likely benign for VSX1-related condition. Last evaluated: 2019-02-18. Review status: no assertion criteria provided. Collection method: clinical testing. Allele origin: germline.
Comment: This variant is classified as likely benign based on ACMG/AMP sequence variant interpretation guidelines (Richards et al. 2015 PMID: 25741868, with internal and published modifications).